The following is an entry in ClinVar:

NM_000053.4(ATP7B):c.3445G>A (p.Gly1149Arg)

Gene: ATP7B (ATPase copper transporting beta; minus strand). Cytogenetic location: 13q14.3.
Variant type: single nucleotide variant.
Coding change: c.3445G>A on transcript NM_000053.4 (MANE Select); coding-DNA position 3445, G replaced by A.
Protein change: p.Gly1149Arg; replaces glycine 1149 with arginine.
Molecular consequence: missense variant. On other transcripts: intron variant (2).
Genome position (GRCh38, 1-based): chr13:51,941,192, C>T on the plus strand (G>A on the coding strand, the complement: ATP7B is on the minus strand). VCF-style: chr13-51941192-C-T. GRCh37 (hg19) VCF-style: chr13-52515328-C-T.
Other names: c.2824G>A, p.Gly942Arg (NM_001005918.3); c.3112G>A, p.Gly1038Arg (NM_001243182.2); c.3211G>A, p.Gly1071Arg (NM_001330578.2, NM_001406527.1, NM_001406528.1); c.3193G>A, p.Gly1065Arg (NM_001330579.2, NM_001406531.1, NM_001406532.1); c.3445G>A, p.Gly1149Arg (NM_001406511.1, NM_001406512.1, NM_001406526.1); c.3439G>A, p.Gly1147Arg (NM_001406513.1); c.3412G>A, p.Gly1138Arg (NM_001406514.1); c.3391G>A, p.Gly1131Arg (NM_001406515.1, NM_001406516.1); and 20 more; short protein forms G1000R, G1006R, G1036R, G1038R, G1039R, G1053R, G1065R, G1069R.
Identifiers: ClinVar variation 3242147 (VCV003242147.2), dbSNP rs1957309469.

ClinVar aggregate classification (germline): Likely pathogenic. Review status: criteria provided, multiple submitters, no conflicts (2 of 4 stars). 2 submissions from 2 submitters: Likely pathogenic (2). Last evaluated 2024-03-05.

Conditions:
Wilson disease (WND). Also called: Wilson's disease. Identifiers: Orphanet 905, MedGen C0019202, MONDO:0010200, OMIM 277900. Disease mechanism: loss of function.

gnomAD v4.1: 1 of 1,614,122 alleles (0.000062%); highest among the groups gnomAD compares: South Asian, 0.0011%; no homozygotes.

Submissions (2):

Fulgent Genetics
Classification: Likely pathogenic for Wilson disease. Last evaluated: 2024-03-05. Review status: criteria provided, single submitter. Criteria: ACMG Guidelines, 2015. Collection method: clinical testing. Allele origin: germline.

Neuberg Centre For Genomic Medicine, NCGM
Classification: Likely pathogenic for Wilson disease. Review status: criteria provided, single submitter. Criteria: ACMG Guidelines, 2015. Collection method: clinical testing. Allele origin: germline. Inheritance: Autosomal recessive inheritance. Affected: yes.
Comment: The missense c.3445G>A (p.Gly1149Arg) variant in the ATP7B gene which is located in a mutational hot spot has been reported previously in a compound heterozygous state in individual(s) affected with Wilson's disease (Hua et al., 2016). A different amino acid change (p.Gly1149Ala) is reported as a known pathogenic variant at the same position (Li et al., 2021). The p.Gly1149Arg variant is absent in gnomAD Exomes. The amino acid Glycine at position 1149 is changed to a Arginine changing protein sequence and it might alter its composition and physico-chemical properties. Multiple lines of computational evidence (Polyphen - Damaging, SIFT - Damaging and MutationTaster - Disease causing) predict a damaging effect on protein structure and function for this variant. The amino acid change p.Gly1149Arg in ATP7B is predicted as conserved by GERP++ and PhyloP across 100 vertebrates. For these reasons, this variant has been classified as Likely Pathogenic.